The following is an entry in ClinVar:

ClinVar aggregate classification (germline): Likely benign. Review status: criteria provided, multiple submitters, no conflicts (2 of 4 stars). 2 submissions from 2 submitters: Likely benign (2). Last evaluated 2024-09-08.

Conditions:
Familial adenomatous polyposis 1 (FAP1). Also called: POLYPOSIS, ADENOMATOUS INTESTINAL; FAMILIAL ADENOMATOUS POLYPOSIS 1, ATTENUATED. Identifiers: MedGen C2713442, MONDO:0021056, OMIM 175100. Disease mechanism: loss of function.

Submissions (2):

Labcorp Genetics (formerly Invitae), Labcorp
Classification: Likely benign for Familial adenomatous polyposis 1. Last evaluated: 2024-09-08. Review status: criteria provided, single submitter. Criteria: Invitae Variant Classification Sherloc (09022015). Collection method: clinical testing. Allele origin: germline.

Myriad Genetics, Inc.
Classification: Likely benign for Familial adenomatous polyposis 1. Last evaluated: 2024-02-26. Review status: criteria provided, single submitter. Criteria: Myriad Autosomal Dominant, Autosomal Recessive and X-Linked Classification Criteria (2023). Collection method: clinical testing. Allele origin: unknown.
Comment: This variant is considered likely benign. This variant is intronic and is not expected to impact mRNA splicing.

NM_000038.6(APC):c.646-14T>C

Gene: APC (APC regulator of Wnt signaling pathway; plus strand). Cytogenetic location: 5q22.2.
Variant type: single nucleotide variant.
Coding change: c.646-14T>C on transcript NM_000038.6 (MANE Select); 14 bases into the intron before coding-DNA position 646, T replaced by C.
Molecular consequence: intron variant.
Genome position (GRCh38, 1-based): chr5:112,792,432, T>C. VCF-style: chr5-112792432-T-C. GRCh37 (hg19) VCF-style: chr5-112128129-T-C.
Other names: c.-390-14T>C (NM_001407470.1, NM_001407472.1, NM_001354906.2 and 1 more transcripts); c.646-14T>C (NM_001407447.1, NM_001354895.2, NM_001407456.1 and 12 more transcripts); c.646-8847T>C (NM_001407452.1, NM_001407469.1, NM_001354899.2 and 1 more transcripts); c.676-14T>C (NM_001407446.1, NM_001354897.2, NM_001354902.2); c.676-8847T>C (NM_001127511.3); c.469-14T>C (NM_001407453.1, NM_001354900.2, NM_001354901.2 and 1 more transcripts); c.571-14T>C (NM_001407451.1, NM_001354898.2, NM_001354904.2).
Identifiers: ClinVar variation 3148749 (VCV003148749.3), dbSNP rs2532630596, ClinGen allele CA650199902.